The following is an entry in ClinVar:

ClinVar aggregate classification (germline): Uncertain significance (1 of 4 stars; one submission).

Submission:

GeneDx
Classification: Uncertain significance. Last evaluated: 2023-04-17. Review status: criteria provided, single submitter. Criteria: GeneDx Variant Classification Process June 2021. Collection method: clinical testing. Allele origin: germline. Affected: yes.
Comment: Not observed at significant frequency in large population cohorts (gnomAD); In silico analysis supports that this missense variant does not alter protein structure/function; Has not been previously published as pathogenic or benign to our knowledge

NM_004974.4(KCNA2):c.589G>T (p.Gly197Cys)

Gene: KCNA2 (potassium voltage-gated channel subfamily A member 2; minus strand). Cytogenetic location: 1p13.3.
Variant type: single nucleotide variant.
Coding change: c.589G>T on transcript NM_004974.4 (MANE Select); coding-DNA position 589, G replaced by T.
Protein change: p.Gly197Cys; replaces glycine 197 with cysteine.
Molecular consequence: missense variant.
Genome position (GRCh38, 1-based): chr1:110,604,194, C>A on the plus strand (G>T on the coding strand, the complement: KCNA2 is on the minus strand). VCF-style: chr1-110604194-C-A. GRCh37 (hg19) VCF-style: chr1-111146816-C-A.
Other names: c.589G>T, p.Gly197Cys (NM_001204269.2); short protein forms G197C.
Identifiers: ClinVar variation 2662155 (VCV002662155.1), dbSNP rs2524620470, ClinGen allele CA341603655.